The following is an entry in ClinVar:

ClinVar aggregate classification (germline): Uncertain significance (1 of 4 stars; one submission).

Allele frequency attached by ClinVar (database versions not stated): gnomAD exomes below 0.00001 and 0.00001; ExAC 0.00002.
gnomAD v4.1: 2 of 1,613,778 alleles (0.00012%); highest among the groups gnomAD compares: Admixed American, 0.0033%; no homozygotes.

Submission:

Labcorp Genetics (formerly Invitae), Labcorp
Classification: Uncertain significance. Last evaluated: 2021-11-05. Review status: criteria provided, single submitter. Criteria: Invitae Variant Classification Sherloc (09022015). Collection method: clinical testing. Allele origin: germline.
Comment: This variant is present in population databases (rs750024199, gnomAD 0.006%). In summary, the available evidence is currently insufficient to determine the role of this variant in disease. Therefore, it has been classified as a Variant of Uncertain Significance. Algorithms developed to predict the effect of missense changes on protein structure and function are either unavailable or do not agree on the potential impact of this missense change (SIFT: "Deleterious"; PolyPhen-2: "Probably Damaging"; Align-GVGD: "Class C15"). This variant has not been reported in the literature in individuals affected with RAI1-related conditions. This sequence change replaces serine, which is neutral and polar, with tyrosine, which is neutral and polar, at codon 215 of the RAI1 protein (p.Ser215Tyr).

NM_030665.4(RAI1):c.644C>A (p.Ser215Tyr)

Gene: RAI1 (retinoic acid induced 1; plus strand). Cytogenetic location: 17p11.2.
Variant type: single nucleotide variant.
Coding change: c.644C>A on transcript NM_030665.4 (MANE Select); coding-DNA position 644, C replaced by A.
Protein change: p.Ser215Tyr; replaces serine 215 with tyrosine.
Molecular consequence: missense variant.
Genome position (GRCh38, 1-based): chr17:17,793,592, C>A. VCF-style: chr17-17793592-C-A. GRCh37 (hg19) VCF-style: chr17-17696906-C-A.
Other names: short protein forms S215Y.
Identifiers: ClinVar variation 1357991 (VCV001357991.6), dbSNP rs750024199, ClinGen allele CA8418162.